The following is an entry in ClinVar:

ClinVar aggregate classification (germline): Uncertain significance. Review status: criteria provided, multiple submitters, no conflicts (2 of 4 stars). 4 submissions from 4 submitters: Uncertain significance (4). Last evaluated 2023-08-28.

Conditions:
Hereditary cancer-predisposing syndrome. Also called: Neoplastic Syndromes, Hereditary; Hereditary neoplastic syndrome; Tumor predisposition; Hereditary Cancer Syndrome. Identifiers: Orphanet 140162, MedGen C0027672, MeSH D009386, MONDO:0015356.
Retinoblastoma (RB1). Also called: RETINOBLASTOMA, SOMATIC. Identifiers: Orphanet 790, MedGen C0035335, MeSH D012175, MONDO:0008380, OMIM 180200, HP:0009919. Disease mechanism: loss of function. Inheritance: Both sporadic and heritable forms are tested..

Submissions (4):

All of Us Research Program, National Institutes of Health
Classification: Uncertain significance for Retinoblastoma. Last evaluated: 2023-08-28. Review status: criteria provided, single submitter. Criteria: ACMG Guidelines, 2015. Collection method: clinical testing. Allele origin: germline. Inheritance: Autosomal dominant inheritance. Observed: 1 variant allele, 1 heterozygote.
Comment: This missense variant replaces valine with isoleucine at codon 610 of the RB1 protein. Computational prediction suggests that this variant may not impact protein structure and function (internally defined REVEL score threshold <= 0.5, PMID: 27666373). To our knowledge, functional studies have not been reported for this variant. This variant has not been reported in individuals affected with RB1-related disorders in the literature. This variant has not been identified in the general population by the Genome Aggregation Database (gnomAD). The available evidence is insufficient to determine the role of this variant in disease conclusively. Therefore, this variant is classified as a Variant of Uncertain Significance.

This study involves interpretation of variants in research participants for the purpose of population health screening. Participant phenotype was not available at the time of variant classification. Additional details can be found in publication PMID: 35346344, PMCID: PMC8962531

Labcorp Genetics (formerly Invitae), Labcorp
Classification: Uncertain significance for Retinoblastoma. Last evaluated: 2023-08-17. Review status: criteria provided, single submitter. Criteria: Invitae Variant Classification Sherloc (09022015). Collection method: clinical testing. Allele origin: germline.
Comment: This variant is not present in population databases (gnomAD no frequency). This variant has not been reported in the literature in individuals affected with RB1-related conditions. ClinVar contains an entry for this variant (Variation ID: 2497609). Advanced modeling of protein sequence and biophysical properties (such as structural, functional, and spatial information, amino acid conservation, physicochemical variation, residue mobility, and thermodynamic stability) performed at Invitae indicates that this missense variant is not expected to disrupt RB1 protein function. In summary, the available evidence is currently insufficient to determine the role of this variant in disease. Therefore, it has been classified as a Variant of Uncertain Significance. This sequence change replaces valine, which is neutral and non-polar, with isoleucine, which is neutral and non-polar, at codon 610 of the RB1 protein (p.Val610Ile).

Color Diagnostics, LLC DBA Color Health
Classification: Uncertain significance for Retinoblastoma. Last evaluated: 2023-08-16. Review status: criteria provided, single submitter. Criteria: ACMG Guidelines, 2015. Collection method: clinical testing. Allele origin: germline.
Comment: This missense variant replaces valine with isoleucine at codon 610 of the RB1 protein. Computational prediction suggests that this variant may not impact protein structure and function. To our knowledge, functional studies have not been reported for this variant. This variant has not been reported in individuals affected with RB1-related disorders in the literature. This variant has not been identified in the general population by the Genome Aggregation Database (gnomAD). The available evidence is insufficient to determine the role of this variant in disease conclusively. Therefore, this variant is classified as a Variant of Uncertain Significance.

Ambry Genetics
Classification: Uncertain significance for Hereditary cancer-predisposing syndrome. Last evaluated: 2023-01-22. Review status: criteria provided, single submitter. Criteria: Ambry Variant Classification Scheme 2023. Collection method: clinical testing. Allele origin: germline.
Comment: The p.V610I variant (also known as c.1828G>A), located in coding exon 19 of the RB1 gene, results from a G to A substitution at nucleotide position 1828. The valine at codon 610 is replaced by isoleucine, an amino acid with highly similar properties. This amino acid position is conserved. In addition, this alteration is predicted to be tolerated by in silico analysis. Since supporting evidence is limited at this time, the clinical significance of this alteration remains unclear.

NM_000321.3(RB1):c.1828G>A (p.Val610Ile)

Gene: RB1 (RB transcriptional corepressor 1; plus strand). Cytogenetic location: 13q14.2.
Variant type: single nucleotide variant.
Coding change: c.1828G>A on transcript NM_000321.3 (MANE Select); coding-DNA position 1828, G replaced by A.
Protein change: p.Val610Ile; replaces valine 610 with isoleucine.
Molecular consequence: missense variant.
Genome position (GRCh38, 1-based): chr13:48,456,217, G>A. VCF-style: chr13-48456217-G-A. GRCh37 (hg19) VCF-style: chr13-49030353-G-A.
Other names: c.1828G>A, p.Val610Ile (NM_001407165.1); short protein forms V610I.
Identifiers: ClinVar variation 2497609 (VCV002497609.7), dbSNP rs762613976, ClinGen allele CA388165714.
Genomic context (GRCh38, chr13:48,456,217, plus strand): 5'-ATTCTTAGCCAACTTGAAATGAAGACTTTTCCTTTAAATATATCTAGGTATCTTTCTCCT[G>A]TAAGATCTCCAAAGAAAAAAGGTTCAACTACGCGTGTAAATTCTACTGCAAATGCAGAGA-3'
Protein context (NP_000312.2, residues 600-620): HTAADMYLSP[Val610Ile]RSPKKKGSTT